The following is an entry in ClinVar:

ClinVar aggregate classification (germline): Likely pathogenic (1 of 4 stars; one submission).

Conditions:
Joubert syndrome. Also called: Familial aplasia of the vermis; JOUBERT-BOLTSHAUSER SYNDROME; CEREBELLOPARENCHYMAL DISORDER IV. Identifiers: Orphanet 475, MedGen C5979921, MONDO:0018772.

Submission:

Natera, Inc.
Classification: Likely pathogenic for Joubert syndrome. Last evaluated: 2024-06-21. Review status: criteria provided, single submitter. Criteria: Natera Variant Classification Schema (03/2026). Collection method: clinical testing. Allele origin: germline.
Comment: The c.2097del variant in RPGRIP1L is a frameshift variant predicted to shift the reading frame beginning at codon 699 and leads to a stop codon 18 codons downstream. This variant is expected to result in nonsense mediated decay, truncation, or a dysfunctional protein product. This variant is rare in the general population with a frequency below the threshold expected for the associated phenotype(s). Given the available evidence, this variant is classified as Likely Pathogenic.

NM_015272.5(RPGRIP1L):c.2097del (p.Lys699fs)

Gene: RPGRIP1L (RPGRIP1 like; minus strand). Cytogenetic location: 16q12.2.
Variant type: Deletion.
Coding change: c.2097del on transcript NM_015272.5 (MANE Select); coding-DNA position 2097, one base deleted (A; older notation c.2097delA).
Protein change: p.Lys699fs; shifts the reading frame from lysine 699.
Molecular consequence: frameshift variant.
Genome position (GRCh38, 1-based): chr16:53,652,590, T deleted on the plus strand (A on the coding strand, the reverse complement: RPGRIP1L is on the minus strand); the first of 4 consecutive T bases (chr16:53,652,590-53,652,593); deleting any one gives the same sequence. VCF-style (leftmost placement, unchanged base first): chr16-53652589-AT-A. GRCh37 (hg19) VCF-style: chr16-53686501-AT-A.
Other names: c.2097del, p.Lys699fs (NM_001127897.4, NM_001308334.3, NM_001330538.2); short protein forms K699fs.
Identifiers: ClinVar variation 4815835 (VCV004815835.1).